The following is an entry in ClinVar:

ClinVar aggregate classification (germline): Uncertain significance (1 of 4 stars; one submission).

Conditions:
Fanconi anemia (FA). Also called: Fanconi's anemia. Identifiers: Orphanet 84, MedGen C0015625, MeSH D005199, MONDO:0019391.

gnomAD v4.1: 1 of 1,613,612 alleles (0.000062%); no homozygotes.

Submission:

Labcorp Genetics (formerly Invitae), Labcorp
Classification: Uncertain significance for Fanconi anemia. Last evaluated: 2020-09-09. Review status: criteria provided, single submitter. Criteria: Invitae Variant Classification Sherloc (09022015). Collection method: clinical testing. Allele origin: germline.
Comment: In summary, the available evidence is currently insufficient to determine the role of this variant in disease. Therefore, it has been classified as a Variant of Uncertain Significance. Algorithms developed to predict the effect of missense changes on protein structure and function (SIFT, PolyPhen-2, Align-GVGD) all suggest that this variant is likely to be tolerated, but these predictions have not been confirmed by published functional studies and their clinical significance is uncertain. This variant has not been reported in the literature in individuals with FANCM-related conditions. This variant is not present in population databases (ExAC no frequency). This sequence change replaces isoleucine with valine at codon 1295 of the FANCM protein (p.Ile1295Val). The isoleucine residue is weakly conserved and there is a small physicochemical difference between isoleucine and valine.

NM_020937.4(FANCM):c.3883A>G (p.Ile1295Val)

Gene: FANCM (FA complementation group M; plus strand). Cytogenetic location: 14q21.2.
Variant type: single nucleotide variant.
Coding change: c.3883A>G on transcript NM_020937.4 (MANE Select); coding-DNA position 3883, A replaced by G.
Protein change: p.Ile1295Val; replaces isoleucine 1295 with valine.
Molecular consequence: missense variant.
Genome position (GRCh38, 1-based): chr14:45,176,637, A>G. VCF-style: chr14-45176637-A-G. GRCh37 (hg19) VCF-style: chr14-45645840-A-G.
Other names: c.3805A>G, p.Ile1269Val (NM_001308133.2); short protein forms I1269V, I1295V.
Identifiers: ClinVar variation 1061121 (VCV001061121.9), dbSNP rs2139251959, ClinGen allele CA389603402.